The following is an entry in ClinVar:

ClinVar aggregate classification (germline): Conflicting classifications of pathogenicity. Review status: criteria provided, conflicting classifications (1 of 4 stars). 3 submissions from 3 submitters: Uncertain significance (2); Likely benign (1). Last evaluated 2024-09-04.

Conditions:
Hereditary cancer-predisposing syndrome. Also called: Neoplastic Syndromes, Hereditary; Tumor predisposition; Hereditary Cancer Syndrome; Hereditary neoplastic syndrome. Identifiers: Orphanet 140162, MedGen C0027672, MeSH D009386, MONDO:0015356.
Hereditary breast ovarian cancer syndrome. Also called: Hereditary breast and/or ovarian cancer syndrome; BRCA1- and BRCA2-Associated Hereditary Breast and Ovarian Cancer; Hereditary breast and ovarian cancer syndrome; Hereditary breast and ovarian cancer; Hereditary breast and ovarian cancer syndrome (HBOC); Breast and ovarian cancer. Identifiers: Orphanet 145, MedGen C0677776, MeSH D061325, MONDO:0003582. Disease mechanism: loss of function.

Allele frequency attached by ClinVar (database versions not stated): gnomAD exomes below 0.00001.
gnomAD v4.1: 1 of 1,611,666 alleles (0.000062%); highest among the groups gnomAD compares: Non-Finnish European, 0.000085%; no homozygotes.

Submissions (3):

Labcorp Genetics (formerly Invitae), Labcorp
Classification: Uncertain significance for Hereditary breast ovarian cancer syndrome. Last evaluated: 2024-09-04. Review status: criteria provided, single submitter. Criteria: Invitae Variant Classification Sherloc (09022015). Collection method: clinical testing. Allele origin: germline.
Comment: This sequence change replaces alanine, which is neutral and non-polar, with valine, which is neutral and non-polar, at codon 535 of the BRCA2 protein (p.Ala535Val). This variant is not present in population databases (gnomAD no frequency). This variant has not been reported in the literature in individuals affected with BRCA2-related conditions. ClinVar contains an entry for this variant (Variation ID: 819629). Invitae Evidence Modeling of protein sequence and biophysical properties (such as structural, functional, and spatial information, amino acid conservation, physicochemical variation, residue mobility, and thermodynamic stability) indicates that this missense variant is not expected to disrupt BRCA2 protein function with a negative predictive value of 95%. In summary, the available evidence is currently insufficient to determine the role of this variant in disease. Therefore, it has been classified as a Variant of Uncertain Significance.

University of Washington Department of Laboratory Medicine, University of Washington
Classification: Likely benign for Hereditary cancer-predisposing syndrome. Last evaluated: 2023-03-23. Review status: criteria provided, single submitter. Criteria: Dines et al. (Genet Med. 2020). Collection method: curation. Allele origin: germline.
Comment: Missense variant in a coldspot region where missense variants are very unlikely to be pathogenic (PMID:31911673).

BRCA2 exon 10 coldspot. Reclassification based on statistical prior probability.

Ambry Genetics
Classification: Uncertain significance for Hereditary cancer-predisposing syndrome. Last evaluated: 2019-09-19. Review status: criteria provided, single submitter. Criteria: Ambry Variant Classification Scheme 2023. Collection method: clinical testing. Allele origin: germline.
Comment: The p.A535V variant (also known as c.1604C>T), located in coding exon 9 of the BRCA2 gene, results from a C to T substitution at nucleotide position 1604. The alanine at codon 535 is replaced by valine, an amino acid with similar properties. This amino acid position is not well conserved in available vertebrate species. In addition, this alteration is predicted to be tolerated by in silico analysis. Since supporting evidence is limited at this time, the clinical significance of this alteration remains unclear.

NM_000059.4(BRCA2):c.1604C>T (p.Ala535Val)

Gene: BRCA2 (BRCA2 DNA repair associated; plus strand). Cytogenetic location: 13q13.1.
Variant type: single nucleotide variant.
Coding change: c.1604C>T on transcript NM_000059.4 (MANE Select); coding-DNA position 1604, C replaced by T.
Protein change: p.Ala535Val; replaces alanine 535 with valine.
Molecular consequence: missense variant.
Genome position (GRCh38, 1-based): chr13:32,333,082, C>T. VCF-style: chr13-32333082-C-T. GRCh37 (hg19) VCF-style: chr13-32907219-C-T.
Other names: short protein forms A535V.
Identifiers: ClinVar variation 819629 (VCV000819629.10), dbSNP rs1593893344, ClinGen allele CA387764849.